The following is an entry in ClinVar:

NM_001195553.2(DCX):c.274_277del (p.Ser92fs)

Gene: DCX (doublecortin; minus strand). Cytogenetic location: Xq23.
Variant type: Microsatellite.
Coding change: c.274_277del on transcript NM_001195553.2 (MANE Select); coding-DNA positions 274 to 277, 4 bases deleted (TCTG; older notation c.274_277delTCTG).
Protein change: p.Ser92fs; shifts the reading frame from serine 92.
Molecular consequence: frameshift variant.
Genome position (GRCh38, 1-based): chrX:111,410,122-111,410,125, CAGA deleted on the plus strand (TCTG on the coding strand, the reverse complement: DCX is on the minus strand); deleting any 4 consecutive bases within chrX:111,410,122-111,410,129 gives the same sequence; the c. name uses the placement nearest the transcript's 3' end. VCF-style (leftmost placement, unchanged base first): chrX-111410121-TCAGA-T. GRCh37 (hg19) VCF-style: chrX-110653349-TCAGA-T.
Other names: c.517_520del, p.Ser173fs (NM_000555.3); c.274_277del, p.Ser92fs (NM_001369370.1, NM_001369371.1, NM_001369372.1 and 5 more transcripts); short protein forms S173fs, S92fs.
Identifiers: ClinVar variation 453171 (VCV000453171.3), dbSNP rs1556405065, ClinGen allele CA658659034.

ClinVar aggregate classification (germline): Pathogenic. Review status: criteria provided, multiple submitters, no conflicts (2 of 4 stars). 2 submissions from 2 submitters: Pathogenic (2). Last evaluated 2026-10-01.

Submissions (2):

CeGaT Center for Human Genetics Tuebingen
Classification: Pathogenic. Last evaluated: 2026-10-01. Review status: criteria provided, single submitter. Criteria: CeGaT Center For Human Genetics Tuebingen Variant Classification Criteria Version 2. Collection method: clinical testing. Allele origin: germline. Affected: yes. Observed: 1 variant allele.
Comment: DCX: PVS1, PM2

GeneDx
Classification: Pathogenic. Last evaluated: 2017-11-07. Review status: criteria provided, single submitter. Criteria: GeneDx Variant Classification (06012015). Collection method: clinical testing. Allele origin: germline. Affected: yes.
Comment: The c.274_277delTCTG pathogenic variant in the DCX gene causes a frameshift starting with codon Serine 92, changes this amino acid to a Threonine residue and creates a premature Stop codon at position 58 of the new reading frame, denoted p.Ser92ThrfsX58. This pathogenic variant is predicted to cause loss of normal protein function either through protein truncation or nonsense-mediated mRNA decay. The c.274_277delTCTG variant is not observed in large population cohorts (Lek et al., 2016). Although this pathogenic variant has not been previously reported to our knowledge, other frameshift variants have been reported in Human Gene Mutation Database in association with DCX-related disorders (Stenson et al., 2014).